The following is an entry in ClinVar:

NM_182493.3(MYLK3):c.1552C>T (p.His518Tyr)

Gene: MYLK3 (myosin light chain kinase 3; minus strand). Cytogenetic location: 16q11.2.
Variant type: single nucleotide variant.
Coding change: c.1552C>T on transcript NM_182493.3 (MANE Select); coding-DNA position 1552, C replaced by T.
Protein change: p.His518Tyr; replaces histidine 518 with tyrosine.
Molecular consequence: missense variant.
Genome position (GRCh38, 1-based): chr16:46,730,609, G>A on the plus strand (C>T on the coding strand, the complement: MYLK3 is on the minus strand). VCF-style: chr16-46730609-G-A. GRCh37 (hg19) VCF-style: chr16-46764521-G-A.
Other names: c.1552C>T (NM_182493.2); c.529C>T, p.His177Tyr (NM_001308301.1); short protein forms H177Y, H518Y.
Identifiers: ClinVar variation 1952040 (VCV001952040.6), dbSNP rs763671984, ClinGen allele CA8037947.

ClinVar aggregate classification (germline): Uncertain significance. Review status: criteria provided, multiple submitters, no conflicts (2 of 4 stars). 2 submissions from 2 submitters: Uncertain significance (2). Last evaluated 2025-05-23.

Allele frequency attached by ClinVar (database versions not stated): gnomAD exomes below 0.00001; TOPMed below 0.00001; ExAC 0.00001; gnomAD 0.00001.

Submissions (2):

Ambry Genetics
Classification: Uncertain significance. Last evaluated: 2025-05-23. Review status: criteria provided, single submitter. Criteria: Ambry Variant Classification Scheme 2023. Collection method: clinical testing. Allele origin: germline.

Labcorp Genetics (formerly Invitae), Labcorp
Classification: Uncertain significance. Last evaluated: 2024-09-03. Review status: criteria provided, single submitter. Criteria: Invitae Variant Classification Sherloc (09022015). Collection method: clinical testing. Allele origin: germline.
Comment: This sequence change replaces histidine, which is basic and polar, with tyrosine, which is neutral and polar, at codon 518 of the MYLK3 protein (p.His518Tyr). This variant is present in population databases (rs763671984, gnomAD 0.002%). This variant has not been reported in the literature in individuals affected with MYLK3-related conditions. ClinVar contains an entry for this variant (Variation ID: 1952040). An algorithm developed to predict the effect of missense changes on protein structure and function (PolyPhen-2) suggests that this variant is likely to be disruptive. In summary, the available evidence is currently insufficient to determine the role of this variant in disease. Therefore, it has been classified as a Variant of Uncertain Significance.